The following is an entry in ClinVar:

NM_002495.4(NDUFS4):c.10_12delinsCTC (p.Val4Leu)

Genes: NDUFS4 (NADH:ubiquinone oxidoreductase subunit S4; plus strand), LOC129993885 (ATAC-STARR-seq lymphoblastoid active region 22547; plus strand). Cytogenetic location: 5q11.2.
Variant type: Indel.
Coding change: c.10_12delinsCTC on transcript NM_002495.4 (MANE Select); coding-DNA positions 10 to 12, GTG replaced by CTC.
Protein change: p.Val4Leu; replaces valine 4 with leucine.
Molecular consequence: missense variant. On other transcripts: non-coding transcript variant (3).
Genome position (GRCh38, 1-based): chr5:53,560,672-53,560,674, GTG replaced by CTC. VCF-style: chr5-53560672-GTG-CTC. GRCh37 (hg19) VCF-style: chr5-52856502-GTG-CTC.
Other names: c.10_12delinsCTC, p.Val4Leu (NM_001318051.2); short protein forms V4L.
Identifiers: ClinVar variation 419348 (VCV000419348.1), dbSNP rs1064793807, ClinGen allele CA16618208.

ClinVar aggregate classification (germline): Likely benign (1 of 4 stars; one submission).

Submission:

GeneDx
Classification: Likely benign. Last evaluated: 2015-06-25. Review status: criteria provided, single submitter. Criteria: GeneDx Variant Classification (06012015). Collection method: clinical testing. Allele origin: germline. Affected: yes.
Comment: This variant is considered likely benign or benign based on one or more of the following criteria: it is a conservative change, it occurs at a poorly conserved position in the protein, it is predicted to be benign by multiple in silico algorithms, and/or has population frequency not consistent with disease.